The following is an entry in ClinVar:

ClinVar aggregate classification (germline): Likely pathogenic (1 of 4 stars; one submission).

Conditions:
Leigh syndrome (NULS). Also called: Leigh's necrotizing encephalopathy; Leigh's disease; Leigh Syndrome (mtDNA deletion); Leigh's syndrome; Leigh Disease; Subacute necrotizing encephalopathy. Identifiers: Orphanet 506, MedGen C2931891, MONDO:0009723, OMIM 256000.

Submission:

Keimyung University Dongsan Hospital, Keimyung University School of Medicine
Classification: Likely pathogenic for Leigh syndrome. Last evaluated: 2025-11-25. Review status: criteria provided, single submitter. Criteria: ACMG Guidelines, 2015. Collection method: clinical testing. Allele origin: germline. Inheritance: Autosomal recessive inheritance. Affected: yes. Observed: 1 heterozygote.
Comment: This variant is classified as Likely Pathogenic based on ACMG criteria (PM2, PM3, PP3, PP4). It is absent from population databases, predicted deleterious by multiple algorithms, observed in trans with another likely pathogenic NDUFS1 variant, and identified in a proband with a phenotype consistent with NDUFS1-related Leigh syndrome.

NM_005006.7(NDUFS1):c.419A>G (p.Gln140Arg)

Gene: NDUFS1 (NADH:ubiquinone oxidoreductase core subunit S1; minus strand). Cytogenetic location: 2q33.3.
Variant type: single nucleotide variant.
Coding change: c.419A>G on transcript NM_005006.7 (MANE Select); coding-DNA position 419, A replaced by G.
Protein change: p.Gln140Arg; replaces glutamine 140 with arginine.
Molecular consequence: missense variant.
Genome position (GRCh38, 1-based): chr2:206,147,754, T>C on the plus strand (A>G on the coding strand, the complement: NDUFS1 is on the minus strand). VCF-style: chr2-206147754-T-C. GRCh37 (hg19) VCF-style: chr2-207012478-T-C.
Other names: c.311A>G, p.Gln104Arg (NM_001199981.2); c.86A>G, p.Gln29Arg (NM_001199982.2); c.248A>G, p.Gln83Arg (NM_001199983.2); c.461A>G, p.Gln154Arg (NM_001199984.2); short protein forms Q104R, Q140R, Q154R, Q29R, Q83R.
Identifiers: ClinVar variation 4532273 (VCV004532273.1).